The following is an entry in ClinVar:

NM_005879.3(TRAIP):c.931C>T (p.Arg311Cys)

Gene: TRAIP (TRAF interacting protein; minus strand). Cytogenetic location: 3p21.31.
Variant type: single nucleotide variant.
Coding change: c.931C>T on transcript NM_005879.3 (MANE Select); coding-DNA position 931, C replaced by T.
Protein change: p.Arg311Cys; replaces arginine 311 with cysteine.
Molecular consequence: missense variant.
Genome position (GRCh38, 1-based): chr3:49,832,022, G>A on the plus strand (C>T on the coding strand, the complement: TRAIP is on the minus strand). VCF-style: chr3-49832022-G-A. GRCh37 (hg19) VCF-style: chr3-49869455-G-A.
Other names: short protein forms R311C.
Identifiers: ClinVar variation 2177109 (VCV002177109.1), dbSNP rs138957781, ClinGen allele CA2407647.

ClinVar aggregate classification (germline): Uncertain significance (1 of 4 stars; one submission).

Allele frequency attached by ClinVar (database versions not stated): TOPMed 0.00003; gnomAD 0.00006; ExAC 0.00007; ESP Exome Variant Server 0.00008; gnomAD exomes 0.00009; 1000 Genomes Project 30x 0.00031; 1000 Genomes Project 0.00040.

Submission:

Labcorp Genetics (formerly Invitae), Labcorp
Classification: Uncertain significance. Last evaluated: 2022-08-20. Review status: criteria provided, single submitter. Criteria: Invitae Variant Classification Sherloc (09022015). Collection method: clinical testing. Allele origin: germline.
Comment: This sequence change replaces arginine, which is basic and polar, with cysteine, which is neutral and slightly polar, at codon 311 of the TRAIP protein (p.Arg311Cys). This variant is present in population databases (rs138957781, gnomAD 0.01%). This variant has not been reported in the literature in individuals affected with TRAIP-related conditions. Algorithms developed to predict the effect of missense changes on protein structure and function (SIFT, PolyPhen-2, Align-GVGD) all suggest that this variant is likely to be tolerated. In summary, the available evidence is currently insufficient to determine the role of this variant in disease. Therefore, it has been classified as a Variant of Uncertain Significance.